The following is an entry in ClinVar:

NM_001005242.3(PKP2):c.1878C>T (p.Asn626=)

Gene: PKP2 (plakophilin 2; minus strand). Cytogenetic location: 12p11.21.
Variant type: single nucleotide variant.
Coding change: c.1878C>T on transcript NM_001005242.3 (MANE Select); coding-DNA position 1878, C replaced by T.
Protein change: p.Asn626=; no amino-acid change (asparagine 626 retained).
Molecular consequence: synonymous variant.
Genome position (GRCh38, 1-based): chr12:32,821,491, G>A on the plus strand (C>T on the coding strand, the complement: PKP2 is on the minus strand). VCF-style: chr12-32821491-G-A. GRCh37 (hg19) VCF-style: chr12-32974425-G-A.
Other names: c.2010C>T, p.Asn670= (NM_004572.4).
Identifiers: ClinVar variation 919980 (VCV000919980.12), dbSNP rs769943903, ClinGen allele CA032192.

ClinVar aggregate classification (germline): Likely benign. Review status: criteria provided, multiple submitters, no conflicts (2 of 4 stars). 4 submissions from 4 submitters: Likely benign (4). Last evaluated 2024-08-06.

Conditions:
Cardiovascular phenotype. Identifiers: MedGen CN230736.
Arrhythmogenic right ventricular cardiomyopathy (ARVD). Also called: Arrhythmogenic cardiomyopathy; Cardiomyopathy, ARVC; Arrhythmogenic right ventricular dysplasia; Arrhythmogenic Right Ventricular Cardiomyopathy (ARVC). Identifiers: Orphanet 247, MedGen C0349788, MeSH D019571, MONDO:0016587. Disease mechanism: loss of function. Inheritance: Various modes of inheritance.
Cardiomyopathy (CMYO). Also called: Cardiomyopathies. Identifiers: Orphanet 167848, MedGen C0878544, MONDO:0004994, HP:0001638. Inheritance: Various modes of inheritance.
Arrhythmogenic right ventricular dysplasia 9 (ARVD9). Also called: Arrhythmogenic Right Ventricular Dysplasia/Cardiomyopathy 9; ARRHYTHMOGENIC RIGHT VENTRICULAR DYSPLASIA, FAMILIAL, 9. Identifiers: MedGen C1836906, MONDO:0012180, OMIM 609040.

Allele frequency attached by ClinVar (database versions not stated): gnomAD exomes 0.00001 and 0.00002; TOPMed 0.00001; ExAC 0.00002.
gnomAD v4.1: 16 of 1,613,858 alleles (0.00099%); highest among the groups gnomAD compares: East Asian, 0.027%; no homozygotes.

Submissions (4):

All of Us Research Program, National Institutes of Health
Classification: Likely benign for Arrhythmogenic right ventricular cardiomyopathy. Last evaluated: 2024-08-06. Review status: criteria provided, single submitter. Criteria: ACMG Guidelines, 2015. Collection method: clinical testing. Allele origin: germline. Inheritance: Autosomal dominant inheritance. Observed: 1 variant allele, 1 heterozygote.
Comment: This study involves interpretation of variants in research participants for the purpose of population health screening. Participant phenotype was not available at the time of variant classification. Additional details can be found in publication PMID: 35346344, PMCID: PMC8962531

Labcorp Genetics (formerly Invitae), Labcorp
Classification: Likely benign for Arrhythmogenic right ventricular dysplasia 9. Last evaluated: 2023-10-03. Review status: criteria provided, single submitter. Criteria: Invitae Variant Classification Sherloc (09022015). Collection method: clinical testing. Allele origin: germline.

Ambry Genetics
Classification: Likely benign for Cardiovascular phenotype. Last evaluated: 2023-07-27. Review status: criteria provided, single submitter. Criteria: Ambry Variant Classification Scheme 2023. Collection method: clinical testing. Allele origin: germline.

Color Diagnostics, LLC DBA Color Health
Classification: Likely benign for Cardiomyopathy. Last evaluated: 2019-06-22. Review status: criteria provided, single submitter. Criteria: ACMG Guidelines, 2015. Collection method: clinical testing. Allele origin: germline.